The following is an entry in ClinVar:

NM_006929.5(SKIC2):c.2033_2034dup (p.Asp679fs)

Gene: SKIC2 (SKI2 subunit of superkiller complex; plus strand). Cytogenetic location: 6p21.33.
Variant type: Duplication.
Coding change: c.2033_2034dup on transcript NM_006929.5 (MANE Select); coding-DNA positions 2033 to 2034, 2 bases duplicated (TT; older notation c.2033_2034dupTT).
Protein change: p.Asp679fs; shifts the reading frame from aspartic acid 679.
Molecular consequence: frameshift variant.
Genome position (GRCh38, 1-based): chr6:31,965,844-31,965,845, TT duplicated; duplicating any 2 consecutive bases within chr6:31,965,843-31,965,845 gives the same sequence; the c. name uses the placement nearest the transcript's 3' end. VCF-style (leftmost placement, unchanged base first): chr6-31965842-G-GTT. GRCh37 (hg19) VCF-style: chr6-31933619-G-GTT.
Other names: short protein forms D679fs.
Identifiers: ClinVar variation 1404783 (VCV001404783.6), dbSNP rs775004895, ClinGen allele CA3729665.
Genomic context (GRCh38, chr6:31,965,842, plus strand): 5'-GGTCTTGTTTGCCACAGAGACCTTTGCCATGGGAGTAAACATGCCTGCTCGTACAGTAGT[G>GTT]TTTGACTCCATGCGCAAACACGATGGCTCCACCTTCCGGGACCTGCTCCCTGGGGAGTAT-3'

ClinVar aggregate classification (germline): Pathogenic (1 of 4 stars; one submission).

Submission:

Labcorp Genetics (formerly Invitae), Labcorp
Classification: Pathogenic. Last evaluated: 2023-02-14. Review status: criteria provided, single submitter. Criteria: Invitae Variant Classification Sherloc (09022015). Collection method: clinical testing. Allele origin: germline.
Comment: This sequence change creates a premature translational stop signal (p.Asp679Leufs*55) in the SKIV2L gene. It is expected to result in an absent or disrupted protein product. Loss-of-function variants in SKIV2L are known to be pathogenic (PMID: 22444670). This variant is not present in population databases (gnomAD no frequency). This variant has not been reported in the literature in individuals affected with SKIV2L-related conditions. ClinVar contains an entry for this variant (Variation ID: 1404783). For these reasons, this variant has been classified as Pathogenic.

Literature cited by the submitters: PubMed 22444670.